The following is an entry in ClinVar:

ClinVar aggregate classification (germline): Uncertain significance (1 of 4 stars; one submission).

Allele frequency attached by ClinVar (database versions not stated): gnomAD exomes below 0.00001; gnomAD 0.00001.
gnomAD v4.1: 4 of 1,613,082 alleles (0.00025%); highest among the groups gnomAD compares: Non-Finnish European, 0.00034%; no homozygotes.

Submission:

Labcorp Genetics (formerly Invitae), Labcorp
Classification: Uncertain significance. Last evaluated: 2022-08-06. Review status: criteria provided, single submitter. Criteria: Invitae Variant Classification Sherloc (09022015). Collection method: clinical testing. Allele origin: germline.
Comment: This variant has not been reported in the literature in individuals affected with PTPN23-related conditions. This sequence change replaces valine, which is neutral and non-polar, with leucine, which is neutral and non-polar, at codon 1425 of the PTPN23 protein (p.Val1425Leu). This variant is present in population databases (no rsID available, gnomAD 0.0009%). ClinVar contains an entry for this variant (Variation ID: 1502292). Algorithms developed to predict the effect of missense changes on protein structure and function are either unavailable or do not agree on the potential impact of this missense change (SIFT: "Deleterious"; PolyPhen-2: "Probably Damaging"; Align-GVGD: "Class C0"). In summary, the available evidence is currently insufficient to determine the role of this variant in disease. Therefore, it has been classified as a Variant of Uncertain Significance.

NM_015466.4(PTPN23):c.4273G>C (p.Val1425Leu)

Gene: PTPN23 (protein tyrosine phosphatase non-receptor type 23; plus strand). Cytogenetic location: 3p21.31.
Variant type: single nucleotide variant.
Coding change: c.4273G>C on transcript NM_015466.4 (MANE Select); coding-DNA position 4273, G replaced by C.
Protein change: p.Val1425Leu; replaces valine 1425 with leucine.
Molecular consequence: missense variant.
Genome position (GRCh38, 1-based): chr3:47,412,377, G>C. VCF-style: chr3-47412377-G-C. GRCh37 (hg19) VCF-style: chr3-47453867-G-C.
Other names: c.3895G>C, p.Val1299Leu (NM_001304482.2); short protein forms V1425L, V1299L.
Identifiers: ClinVar variation 1502292 (VCV001502292.7), dbSNP rs1476071978, ClinGen allele CA352566386.